The following is an entry in ClinVar:

ClinVar aggregate classification (germline): Pathogenic (1 of 4 stars; one submission).

Conditions:
Congenital hyperammonemia, type I. Also called: CPS I DEFICIENCY; Carbamoyl phosphate synthetase 1 deficiency; Hyperammonemia due to carbamoyl phosphate synthetase 1 deficiency; CPS 1 deficiency; Carbamyl phosphate synthetase (CPS) deficiency; Carbamoyl phosphate synthetase I deficiency disease. Identifiers: Orphanet 147, MedGen C4082171, MONDO:0009376, OMIM 237300.

Submission:

Myriad Genetics, Inc.
Classification: Pathogenic for Congenital hyperammonemia, type I. Last evaluated: 2023-08-21. Review status: criteria provided, single submitter. Criteria: Myriad Autosomal Dominant, Autosomal Recessive and X-Linked Classification Criteria (2023). Collection method: clinical testing. Allele origin: unknown.
Comment: NM_001875.4(CPS1):c.2177_2178ins13(S727Lfs*29) is expected to be pathogenic in the context of carbamoylphosphate synthetase I deficiency. This variant is predicted to lead to an abnormal or absent protein product due to the creation of a premature termination codon in CPS1, a gene where loss-of-function variants are known to be pathogenic. Please note: this variant was assessed in the context of healthy population screening.

NM_001875.5(CPS1):c.2177_2178insACTGTCTCTTATA (p.Ser727fs)

Gene: CPS1 (carbamoyl-phosphate synthase 1; plus strand). Cytogenetic location: 2q34.
Variant type: Insertion.
Coding change: c.2177_2178insACTGTCTCTTATA on transcript NM_001875.5 (MANE Select); coding-DNA positions 2177 to 2178, ACTGTCTCTTATA inserted.
Protein change: p.Ser727fs; shifts the reading frame from serine 727.
Molecular consequence: frameshift variant. On other transcripts: non-coding transcript variant (2).
Genome position: GRCh38 VCF-style: chr2-210606926-C-CACTGTCTCTTATA. GRCh37 (hg19) VCF-style: chr2-211471650-C-CACTGTCTCTTATA.
Other names: c.2177_2178insACTGTCTCTTATA, p.Ser727fs (NM_001122633.3, NM_001369257.1); c.2210_2211insACTGTCTCTTATA, p.Ser738fs (NM_001369256.1); short protein forms S727fs, S738fs.
Identifiers: ClinVar variation 5011438 (VCV005011438.1).